The following is an entry in ClinVar:

NM_007078.3(LDB3):c.172G>A (p.Asp58Asn)

Gene: LDB3 (LIM domain binding 3; plus strand). Cytogenetic location: 10q23.2.
Variant type: single nucleotide variant.
Coding change: c.172G>A on transcript NM_007078.3 (MANE Select); coding-DNA position 172, G replaced by A.
Protein change: p.Asp58Asn; replaces aspartic acid 58 with asparagine.
Molecular consequence: missense variant.
Genome position (GRCh38, 1-based): chr10:86,679,445, G>A. VCF-style: chr10-86679445-G-A. GRCh37 (hg19) VCF-style: chr10-88439202-G-A.
Other names: c.172G>A (NM_007078.2); c.172G>A, p.Asp58Asn (NM_001080114.2, NM_001080115.2, NM_001080116.1 and 8 more transcripts); short protein forms D58N.
Identifiers: ClinVar variation 180398 (VCV000180398.14), dbSNP rs730880127, ClinGen allele CA346419.

ClinVar aggregate classification (germline): Uncertain significance. Review status: criteria provided, multiple submitters, no conflicts (2 of 4 stars). 2 submissions from 2 submitters: Uncertain significance (2). Last evaluated 2025-12-19.

Conditions:
Cardiovascular phenotype. Identifiers: MedGen CN230736.
Myofibrillar myopathy 4. Also called: Zaspopathy (type). Identifiers: Orphanet 98912, MedGen C4721886, MONDO:0012277, OMIM 609452.

Allele frequency attached by ClinVar (database versions not stated): TOPMed below 0.00001; gnomAD 0.00001; gnomAD exomes below 0.00001.
gnomAD v4.1: 6 of 1,614,042 alleles (0.00037%); highest among the groups gnomAD compares: Non-Finnish European, 0.00051%; no homozygotes.

Submissions (2):

Ambry Genetics
Classification: Uncertain significance for Cardiovascular phenotype. Last evaluated: 2025-12-19. Review status: criteria provided, single submitter. Criteria: Ambry Variant Classification Scheme 2023. Collection method: clinical testing. Allele origin: germline.

Labcorp Genetics (formerly Invitae), Labcorp
Classification: Uncertain significance for Myofibrillar myopathy 4. Last evaluated: 2023-09-27. Review status: criteria provided, single submitter. Criteria: Invitae Variant Classification Sherloc (09022015). Collection method: clinical testing. Allele origin: germline.
Comment: This sequence change replaces aspartic acid, which is acidic and polar, with asparagine, which is neutral and polar, at codon 58 of the LDB3 protein (p.Asp58Asn). This variant is not present in population databases (gnomAD no frequency). This variant has not been reported in the literature in individuals affected with LDB3-related conditions. In summary, the available evidence is currently insufficient to determine the role of this variant in disease. Therefore, it has been classified as a Variant of Uncertain Significance. An algorithm developed to predict the effect of missense changes on protein structure and function (PolyPhen-2) suggests that this variant is likely to be disruptive. ClinVar contains an entry for this variant (Variation ID: 180398).